The following is an entry in ClinVar:

ClinVar aggregate classification (germline): Pathogenic (1 of 4 stars; one submission).

Conditions:
Developmental and epileptic encephalopathy, 8 (DEE8). Also called: HYPEREKPLEXIA AND EPILEPSY. Identifiers: Orphanet 163985, Orphanet 2076, MedGen C1845102, MONDO:0010375, OMIM 300607.

Submission:

Labcorp Genetics (formerly Invitae), Labcorp
Classification: Pathogenic for Developmental and epileptic encephalopathy, 8. Last evaluated: 2023-04-30. Review status: criteria provided, single submitter. Criteria: Invitae Variant Classification Sherloc (09022015). Collection method: clinical testing. Allele origin: unknown.
Comment: This variant is a gross deletion of the genomic region encompassing exon(s) 9-10 of the ARHGEF9 gene, which includes the termination codon. This deletion extends beyond the assayed region for this gene and therefore may encompass additional genes. While this deletion is not anticipated to lead to nonsense mediated decay, it is expected to alter mRNA translation or result in a truncated protein product. For these reasons, this variant has been classified as Pathogenic. This variant disrupts a region of the ARHGEF9 protein in which other variant(s) (p.Thr468Leufs*26) have been determined to be pathogenic (Invitae). This suggests that this is a clinically significant region of the protein, and that variants that disrupt it are likely to be disease-causing. This variant has not been reported in the literature in individuals affected with ARHGEF9-related conditions.

NC_000023.10:g.(?_62857908)_(62863948_?)del

Gene: ARHGEF9 (Cdc42 guanine nucleotide exchange factor 9; minus strand). Cytogenetic location: Xq11.1.
Variant type: Deletion.
Identifiers: ClinVar variation 3244607 (VCV003244607.1).